The following is an entry in ClinVar:

NM_006282.5(STK4):c.1025G>A (p.Arg342Gln)

Gene: STK4 (serine/threonine kinase 4; plus strand). Cytogenetic location: 20q13.12.
Variant type: single nucleotide variant.
Coding change: c.1025G>A on transcript NM_006282.5 (MANE Select); coding-DNA position 1025, G replaced by A.
Protein change: p.Arg342Gln; replaces arginine 342 with glutamine.
Molecular consequence: missense variant.
Genome position (GRCh38, 1-based): chr20:45,001,231, G>A. VCF-style: chr20-45001231-G-A. GRCh37 (hg19) VCF-style: chr20-43629872-G-A.
Other names: c.1025G>A, p.Arg342Gln (NM_001352385.2); short protein forms R342Q.
Identifiers: ClinVar variation 3963438 (VCV003963438.2).

ClinVar aggregate classification (germline): Uncertain significance. Review status: criteria provided, multiple submitters, no conflicts (2 of 4 stars). 2 submissions from 2 submitters: Uncertain significance (2). Last evaluated 2026-01-12.

Conditions:
Combined immunodeficiency due to STK4 deficiency (IMD110). Also called: STK4 DEFICIENCY; MST1 DEFICIENCY; T-cell immunodeficiency, recurrent infections, and autoimmunity with or without cardiac malformations. Identifiers: Orphanet 314689, MedGen C3553943, MONDO:0013934, OMIM 614868.
Inborn genetic diseases. Identifiers: MedGen C0950123, MeSH D030342.

gnomAD v4.1: 31 of 1,614,028 alleles (0.0019%); highest among the groups gnomAD compares: African/African-American, 0.0027%; no homozygotes.

Submissions (2):

Labcorp Genetics (formerly Invitae), Labcorp
Classification: Uncertain significance for Combined immunodeficiency due to STK4 deficiency. Last evaluated: 2026-01-12. Review status: criteria provided, single submitter. Criteria: Invitae Variant Classification Sherloc (09022015). Collection method: clinical testing. Allele origin: germline.
Comment: This sequence change replaces arginine, which is basic and polar, with glutamine, which is neutral and polar, at codon 342 of the STK4 protein (p.Arg342Gln). This variant is present in population databases (rs201970002, gnomAD 0.004%). This variant has not been reported in the literature in individuals affected with STK4-related conditions. ClinVar contains an entry for this variant (Variation ID: 3963438). Invitae Evidence Modeling of protein sequence and biophysical properties (such as structural, functional, and spatial information, amino acid conservation, physicochemical variation, residue mobility, and thermodynamic stability) indicates that this missense variant is not expected to disrupt STK4 protein function with a negative predictive value of 95%. In summary, the available evidence is currently insufficient to determine the role of this variant in disease. Therefore, it has been classified as a Variant of Uncertain Significance.

Ambry Genetics
Classification: Uncertain significance for Inborn genetic diseases. Last evaluated: 2025-03-22. Review status: criteria provided, single submitter. Criteria: Ambry Variant Classification Scheme 2023. Collection method: clinical testing. Allele origin: germline.